The following is an entry in ClinVar:

NM_000466.3(PEX1):c.2226+57del

Gene: PEX1 (peroxisomal biogenesis factor 1; minus strand). Cytogenetic location: 7q21.2.
Variant type: Deletion.
Coding change: c.2226+57del on transcript NM_000466.3 (MANE Select); 57 bases into the intron after coding-DNA position 2226, one base deleted (T; older notation c.2226+57delT).
Molecular consequence: intron variant.
Genome position (GRCh38, 1-based): chr7:92,502,984, A deleted on the plus strand (T on the coding strand, the reverse complement: PEX1 is on the minus strand); the first of 5 consecutive A bases (chr7:92,502,984-92,502,988); deleting any one gives the same sequence. VCF-style (leftmost placement, unchanged base first): chr7-92502983-GA-G. GRCh37 (hg19) VCF-style: chr7-92132297-GA-G.
Other names: c.2055+57del (NM_001282677.2); c.1602+57del (NM_001282678.2).
Identifiers: ClinVar variation 1698023 (VCV001698023.2), dbSNP rs138118520, ClinGen allele CA161963471.

ClinVar aggregate classification (germline): Likely benign (1 of 4 stars; one submission).

Submission:

GeneDx
Classification: Likely benign. Last evaluated: 2019-12-18. Review status: criteria provided, single submitter. Criteria: GeneDx Variant Classification Process June 2021. Collection method: clinical testing. Allele origin: germline. Affected: yes.
Comment: See Variant Classification Assertion Criteria.